The following is an entry in ClinVar:

NM_001267550.2(TTN):c.33892G>T (p.Glu11298Ter)

Gene: TTN (titin; minus strand). Cytogenetic location: 2q31.2.
Variant type: single nucleotide variant.
Coding change: c.33892G>T on transcript NM_001267550.2 (MANE Select); coding-DNA position 33892, G replaced by T.
Protein change: p.Glu11298Ter; replaces glutamic acid 11298 with a stop codon.
Molecular consequence: nonsense. On other transcripts: intron variant (3).
Genome position (GRCh38, 1-based): chr2:178,678,432, C>A on the plus strand (G>T on the coding strand, the complement: TTN is on the minus strand). VCF-style: chr2-178678432-C-A. GRCh37 (hg19) VCF-style: chr2-179543159-C-A.
Other names: c.32941G>T, p.Glu10981Ter (NM_001256850.1); c.30160G>T, p.Glu10054Ter (NM_133378.4); c.13283-36115G>T (NM_003319.4); c.13859-36115G>T (NM_133437.4); c.13658-36115G>T (NM_133432.3); short protein forms E11298*, E10054*, E10981*.
Identifiers: ClinVar variation 2941114 (VCV002941114.3), dbSNP rs2473825959, ClinGen allele CA349532312.

ClinVar aggregate classification (germline): Likely pathogenic (1 of 4 stars; one submission).

Conditions:
Dilated cardiomyopathy 1G (CMD1G). Identifiers: Orphanet 154, MedGen C1858763, MONDO:0011400, OMIM 604145.
Autosomal recessive limb-girdle muscular dystrophy type 2J (LGMDR10). Also called: Limb-girdle muscular dystrophy, type 2J; MUSCULAR DYSTROPHY, LIMB-GIRDLE, AUTOSOMAL RECESSIVE 10. Identifiers: Orphanet 140922, MedGen C1837342, MONDO:0012127, OMIM 608807.

Submission:

Labcorp Genetics (formerly Invitae), Labcorp
Classification: Likely pathogenic for Dilated cardiomyopathy 1G; Autosomal recessive limb-girdle muscular dystrophy type 2J. Last evaluated: 2024-10-18. Review status: criteria provided, single submitter. Criteria: Invitae Variant Classification Sherloc (09022015). Collection method: clinical testing. Allele origin: germline.
Comment: This sequence change creates a premature translational stop signal (p.Glu11298*) in the TTN gene. While this is not anticipated to result in nonsense mediated decay, it is expected to create a truncated TTN protein. This variant is not present in population databases (gnomAD no frequency). This variant has not been reported in the literature in individuals affected with TTN-related conditions. Algorithms developed to predict the effect of sequence changes on RNA splicing suggest that this variant may disrupt the consensus splice site. This variant is located in the I band of TTN (PMID: 25589632). Truncating variants in this region have been reported in individuals affected with autosomal recessive centronuclear myopathy (PMID: 23975875, internal data). Truncating variants in this region have also been identified in individuals affected with autosomal dominant dilated cardiomyopathy and/or cardio-related conditions (PMID: 27869827, 32964742, internal data). In summary, the currently available evidence indicates that the variant is pathogenic, but additional data are needed to prove that conclusively. Therefore, this variant has been classified as Likely Pathogenic.

Literature cited by the submitters: PubMed 25589632; PubMed 23975875; PubMed 27869827; PubMed 32964742.